The following is an entry in ClinVar:

ClinVar aggregate classification (germline): Uncertain significance (1 of 4 stars; one submission).

Conditions:
Neuropathy, hereditary sensory and autonomic, type 2A (HSAN2A). Also called: ACROOSTEOLYSIS, GIACCAI TYPE; ACROOSTEOLYSIS, NEUROGENIC; WNK1-Related HSAN2 (HSAN2A); MORVAN DISEASE; NEUROPATHY, CONGENITAL SENSORY; NEUROPATHY, HEREDITARY SENSORY RADICULAR, AUTOSOMAL RECESSIVE. Identifiers: Orphanet 970, MedGen C2752089, MONDO:0024309, OMIM 201300.
Generalized epilepsy with febrile seizures plus, type 7 (GEFSP7). Also called: GEFS+, TYPE 7. Identifiers: Orphanet 36387, MedGen C2751778, MONDO:0013470, OMIM 613863.

Submission:

Labcorp Genetics (formerly Invitae), Labcorp
Classification: Uncertain significance for Neuropathy, hereditary sensory and autonomic, type 2A; Generalized epilepsy with febrile seizures plus, type 7. Last evaluated: 2023-12-11. Review status: criteria provided, single submitter. Criteria: Invitae Variant Classification Sherloc (09022015). Collection method: clinical testing. Allele origin: germline.
Comment: This sequence change replaces valine, which is neutral and non-polar, with isoleucine, which is neutral and non-polar, at codon 1255 of the SCN9A protein (p.Val1255Ile). This variant is not present in population databases (gnomAD no frequency). This variant has not been reported in the literature in individuals affected with SCN9A-related conditions. Advanced modeling of protein sequence and biophysical properties (such as structural, functional, and spatial information, amino acid conservation, physicochemical variation, residue mobility, and thermodynamic stability) has been performed at Invitae for this missense variant, however the output from this modeling did not meet the statistical confidence thresholds required to predict the impact of this variant on SCN9A protein function. In summary, the available evidence is currently insufficient to determine the role of this variant in disease. Therefore, it has been classified as a Variant of Uncertain Significance.

NM_001365536.1(SCN9A):c.3796G>A (p.Val1266Ile)

Genes: SCN1A-AS1 (SCN1A and SCN9A antisense RNA 1; plus strand), SCN9A (sodium voltage-gated channel alpha subunit 9; minus strand). Cytogenetic location: 2q24.3.
Variant type: single nucleotide variant.
Coding change: c.3796G>A on transcript NM_001365536.1 (MANE Select); coding-DNA position 3796, G replaced by A.
Protein change: p.Val1266Ile; replaces valine 1266 with isoleucine.
Molecular consequence: missense variant.
Genome position (GRCh38, 1-based): chr2:166,238,099, C>T on the plus strand (G>A on the coding strand, the complement: SCN9A is on the minus strand). VCF-style: chr2-166238099-C-T. GRCh37 (hg19) VCF-style: chr2-167094609-C-T.
Other names: c.3763G>A, p.Val1255Ile (NM_002977.4); short protein forms V1266I, V1255I.
Identifiers: ClinVar variation 2931432 (VCV002931432.3), dbSNP rs2469005780, ClinGen allele CA349068382.